The following is an entry in ClinVar:

NM_133459.4(CCBE1):c.*3036C>G

Gene: CCBE1 (collagen and calcium binding EGF domains 1; minus strand). Cytogenetic location: 18q21.32.
Variant type: single nucleotide variant.
Coding change: c.*3036C>G on transcript NM_133459.4 (MANE Select); 3036 bases downstream of the stop codon, C replaced by G.
Molecular consequence: 3 prime UTR variant.
Genome position (GRCh38, 1-based): chr18:59,432,872, G>C on the plus strand (C>G on the coding strand, the complement: CCBE1 is on the minus strand). VCF-style: chr18-59432872-G-C. GRCh37 (hg19) VCF-style: chr18-57100104-G-C.
Other names: c.*3036C>G (LRG_1209t1).
Identifiers: ClinVar variation 327618 (VCV000327618.6), dbSNP rs75031007, ClinGen allele CA10641957.

ClinVar aggregate classification (germline): Benign. Review status: criteria provided, multiple submitters, no conflicts (2 of 4 stars). 2 submissions from 2 submitters: Benign (2). Last evaluated 2018-01-13.

Conditions:
Hennekam lymphangiectasia-lymphedema syndrome 1 (HKLLS1). Also called: LYMPHATIC DYSPLASIA, GENERALIZED. Identifiers: Orphanet 2136, MedGen C4012050, MONDO:0009337, OMIM 235510.

Allele frequency attached by ClinVar (database versions not stated): TOPMed 0.01474; gnomAD 0.01254; 1000 Genomes Project 0.01717.

Submissions (2):

Illumina Laboratory Services, Illumina
Classification: Benign for Hennekam lymphangiectasia-lymphedema syndrome 1. Last evaluated: 2018-01-13. Review status: criteria provided, single submitter. Criteria: ICSL Variant Classification Criteria 13 December 2019. Collection method: clinical testing. Allele origin: germline.
Comment: This variant was observed in the ICSL laboratory as part of a predisposition screen in an ostensibly healthy population. It had not been previously curated by ICSL or reported in the Human Gene Mutation Database (HGMD: prior to June 1st, 2018), and was therefore a candidate for classification through an automated scoring system. Utilizing variant allele frequency, disease prevalence and penetrance estimates, and inheritance mode, an automated score was calculated to assess if this variant is too frequent to cause the disease. Based on the score and internal cut-off values, a variant classified as benign is not then subjected to further curation. The score for this variant resulted in a classification of benign for this disease.

Breakthrough Genomics
Classification: Benign. Review status: criteria provided, single submitter. Criteria: ACMG Guidelines, 2015. Collection method: not provided. Allele origin: germline. Inheritance: Autosomal recessive inheritance. Affected: yes.